The following is an entry in ClinVar:

ClinVar aggregate classification (germline): Conflicting classifications of pathogenicity. Review status: criteria provided, conflicting classifications (1 of 4 stars). 6 submissions from 5 submitters: Uncertain significance (4); Benign (1). 1 of the submissions does not count toward it. Last evaluated 2025-10-21.

Conditions:
Inborn genetic diseases. Identifiers: MedGen C0950123, MeSH D030342.
Distal arthrogryposis type 2B1 (DA2B1). Also called: Arthrogryposis multiplex congenita distal type II with craniofacial abnormalities. Identifiers: Orphanet 1147, MedGen C5193014, MONDO:0020820, OMIM 601680.
Meniere disease. Also called: Ménière's disease. Identifiers: MedGen C0025281, MONDO:0007972, OMIM 156000.
Freeman-Sheldon syndrome (DA2A). Also called: CRANIOCARPOTARSAL DYSPLASIA; CRANIOCARPOTARSAL DYSTROPHY; WHISTLING FACE-WINDMILL VANE HAND SYNDROME; Arthrogryposis, distal, type 2A (Freeman-Sheldon). Identifiers: Orphanet 2053, MedGen C0265224, MONDO:0008675, OMIM 193700.
MYH3-related disorder. Also called: MYH3-Related Disorders; MYH3-related condition. Identifiers: MedGen CN239329.

gnomAD v4.1: 21 of 1,612,794 alleles (0.0013%); highest among the groups gnomAD compares: Admixed American, 0.02%; no homozygotes.

Submissions (6):

Ambry Genetics
Classification: Uncertain significance for Inborn genetic diseases. Last evaluated: 2025-10-21. Review status: criteria provided, single submitter. Criteria: Ambry Variant Classification Scheme 2023. Collection method: clinical testing. Allele origin: germline.

Labcorp Genetics (formerly Invitae), Labcorp
Classification: Uncertain significance. Last evaluated: 2024-03-13. Review status: criteria provided, single submitter. Criteria: Invitae Variant Classification Sherloc (09022015). Collection method: clinical testing. Allele origin: germline.
Comment: This sequence change replaces proline, which is neutral and non-polar, with arginine, which is basic and polar, at codon 83 of the MYH3 protein (p.Pro83Arg). This variant is present in population databases (rs199513213, gnomAD 0.03%). This variant has not been reported in the literature in individuals affected with MYH3-related conditions. ClinVar contains an entry for this variant (Variation ID: 321773). Advanced modeling of protein sequence and biophysical properties (such as structural, functional, and spatial information, amino acid conservation, physicochemical variation, residue mobility, and thermodynamic stability) has been performed at Invitae for this missense variant, however the output from this modeling did not meet the statistical confidence thresholds required to predict the impact of this variant on MYH3 protein function. In summary, the available evidence is currently insufficient to determine the role of this variant in disease. Therefore, it has been classified as a Variant of Uncertain Significance.

Genomic Research Center, Shahid Beheshti University of Medical Sciences
Classification: Uncertain significance for MYH3-Related Disorders. Last evaluated: 2019-04-27. Review status: criteria provided, single submitter. Criteria: ACMG Guidelines, 2015. Collection method: clinical testing. Allele origin: unknown. Affected: yes.

Illumina Laboratory Services, Illumina
Classification: Benign for Freeman-Sheldon syndrome. Last evaluated: 2018-01-13. Review status: criteria provided, single submitter. Criteria: ICSL Variant Classification Criteria 13 December 2019. Collection method: clinical testing. Allele origin: germline.
Comment: This variant was observed in the ICSL laboratory as part of a predisposition screen in an ostensibly healthy population. It had not been previously curated by ICSL or reported in the Human Gene Mutation Database (HGMD: prior to June 1st, 2018), and was therefore a candidate for classification through an automated scoring system. Utilizing variant allele frequency, disease prevalence and penetrance estimates, and inheritance mode, an automated score was calculated to assess if this variant is too frequent to cause the disease. Based on the score and internal cut-off values, a variant classified as benign is not then subjected to further curation. The score for this variant resulted in a classification of benign for this disease.

Illumina Laboratory Services, Illumina
Classification: Uncertain significance for Distal arthrogryposis type 2B1. Last evaluated: 2018-01-13. Review status: criteria provided, single submitter. Criteria: ICSL Variant Classification Criteria 13 December 2019. Collection method: clinical testing. Allele origin: germline.

Center for Computational Biology & Bioinformatics, University of California, San Diego
Classification: Uncertain significance for Meniere disease. Last evaluated: 2024-06-03. Review status: no assertion criteria provided. Collection method: research. Allele origin: germline. Affected: yes. Not counted in ClinVar's aggregate classification.

NM_002470.4(MYH3):c.248C>G (p.Pro83Arg)

Gene: MYH3 (myosin heavy chain 3; minus strand). Cytogenetic location: 17p13.1.
Variant type: single nucleotide variant.
Coding change: c.248C>G on transcript NM_002470.4 (MANE Select); coding-DNA position 248, C replaced by G.
Protein change: p.Pro83Arg; replaces proline 83 with arginine.
Molecular consequence: missense variant.
Genome position (GRCh38, 1-based): chr17:10,652,520, G>C on the plus strand (C>G on the coding strand, the complement: MYH3 is on the minus strand). VCF-style: chr17-10652520-G-C. GRCh37 (hg19) VCF-style: chr17-10555837-G-C.
Other names: short protein forms P83R.
Identifiers: ClinVar variation 321773 (VCV000321773.14), dbSNP rs199513213, ClinGen allele CA8393364.
Genomic context (GRCh38, chr17:10,652,520, plus strand): 5'-AGCACGGCTGGCTCATTCAGGTGCGTCAGCATGGCCATGTCTTCGATCCTGTCGAACTTG[G>C]GGGGGTTCATGGCGTACACATCCTCTGGTTTGACCACCAGGGTCTAAAAAGGAAGAGGCA-3'
Protein context (NP_002461.2, residues 73-93): KPEDVYAMNP[Pro83Arg]KFDRIEDMAM